The following is an entry in ClinVar:

NM_017849.4(TMEM127):c.193G>T (p.Glu65Ter)

Gene: TMEM127 (transmembrane protein 127; minus strand). Cytogenetic location: 2q11.2.
Variant type: single nucleotide variant.
Coding change: c.193G>T on transcript NM_017849.4 (MANE Select); coding-DNA position 193, G replaced by T.
Protein change: p.Glu65Ter; replaces glutamic acid 65 with a stop codon.
Molecular consequence: nonsense. On other transcripts: intron variant (1).
Genome position (GRCh38, 1-based): chr2:96,265,189, C>A on the plus strand (G>T on the coding strand, the complement: TMEM127 is on the minus strand). VCF-style: chr2-96265189-C-A. GRCh37 (hg19) VCF-style: chr2-96930927-C-A.
Other names: c.193G>T, p.Glu65Ter (NM_001193304.3); c.-9+680G>T (NM_001407283.1); short protein forms E65*.
Identifiers: ClinVar variation 2826900 (VCV002826900.3), dbSNP rs763084272, ClinGen allele CA347655925.
Genomic context (GRCh38, chr2:96,265,189, plus strand): 5'-CACCCTCACCTTTCAGCAGGTCCGGGTGCACATAGCCCAACACGTCGGAGACCCCCAGCT[C>A]CTGGCGCGAACAGGTGCCTCCGTGGATGTGCAACCAGGCGGGCTCGGCGAGGGCAGTGCA-3'

ClinVar aggregate classification (germline): Pathogenic (1 of 4 stars; one submission).

Conditions:
Hereditary pheochromocytoma and paraganglioma. Also called: Hereditary paragangliomas and pheochromocytomas; Hereditary Paraganglioma-Pheochromocytoma Syndromes; Hereditary pheochromocytoma-paraganglioma. Identifiers: Orphanet 29072, MedGen C4274332, MONDO:0017366.

Submission:

Labcorp Genetics (formerly Invitae), Labcorp
Classification: Pathogenic for Hereditary pheochromocytoma and paraganglioma. Last evaluated: 2024-01-09. Review status: criteria provided, single submitter. Criteria: Invitae Variant Classification Sherloc (09022015). Collection method: clinical testing. Allele origin: germline.
Comment: This sequence change creates a premature translational stop signal (p.Glu65*) in the TMEM127 gene. It is expected to result in an absent or disrupted protein product. Loss-of-function variants in TMEM127 are known to be pathogenic (PMID: 20154675, 21156949). This variant is not present in population databases (gnomAD no frequency). This variant has not been reported in the literature in individuals affected with TMEM127-related conditions. For these reasons, this variant has been classified as Pathogenic.

Literature cited by the submitters: PubMed 20154675; PubMed 21156949.